The following is an entry in ClinVar:

NM_014633.5(CTR9):c.2135A>G (p.Tyr712Cys)

Gene: CTR9 (CTR9 component of Paf1/RNA polymerase II complex; plus strand). Cytogenetic location: 11p15.4.
Variant type: single nucleotide variant.
Coding change: c.2135A>G on transcript NM_014633.5 (MANE Select); coding-DNA position 2135, A replaced by G.
Protein change: p.Tyr712Cys; replaces tyrosine 712 with cysteine.
Molecular consequence: missense variant.
Genome position (GRCh38, 1-based): chr11:10,770,235, A>G. VCF-style: chr11-10770235-A-G. GRCh37 (hg19) VCF-style: chr11-10791782-A-G.
Other names: c.2135A>G, p.Tyr712Cys (NM_001346279.2); short protein forms Y712C.
Identifiers: ClinVar variation 1422302 (VCV001422302.9), dbSNP rs991851483, ClinGen allele CA217709073.
Genomic context (GRCh38, chr11:10,770,235, plus strand): 5'-GTTGTGTTTTAATTAACTTTTTTCTTTTACTGTAGTATGAAAACTGCCTCCGAAAGTTCT[A>G]TAAGCACCAAAACACTGAAGTTGTACTCTATTTGGCCCGGGCCCTCTTCAAGTGTGGCAA-3'
Protein context (NP_055448.1, residues 702-722): QMYENCLRKF[Tyr712Cys]KHQNTEVVLY

ClinVar aggregate classification (germline): Uncertain significance. Review status: criteria provided, multiple submitters, no conflicts (2 of 4 stars). 2 submissions from 2 submitters: Uncertain significance (2). Last evaluated 2024-01-02.

Conditions:
Predisposition to Wilms tumor.

Allele frequency attached by ClinVar (database versions not stated): gnomAD exomes below 0.00001; TOPMed 0.00001.
gnomAD v4.1: 6 of 1,612,984 alleles (0.00037%); highest among the groups gnomAD compares: Non-Finnish European, 0.00051%; no homozygotes.

Submissions (2):

St. Jude Molecular Pathology, St. Jude Children's Research Hospital
Classification: Uncertain significance for Predisposition to Wilms tumor. Last evaluated: 2024-01-02. Review status: criteria provided, single submitter. Criteria: St. Jude Assertion Criteria 2020. Collection method: clinical testing. Allele origin: germline.
Comment: The CTR9 c.2135A>G (p.Tyr712Cys) missense change is absent in gnomAD v2.1.1. The in silico tool REVEL is inconclusive about a pathogenic or benign effect of this variant on protein function, and to our knowledge functional studies have not been performed. To our knowledge, this variant has not been reported in the literature in individuals with a personal and/or family history of Wilms tumor. In summary, the evidence currently available is insufficient to determine the clinical significance of this variant. It has therefore been classified as of uncertain significance.

Labcorp Genetics (formerly Invitae), Labcorp
Classification: Uncertain significance. Last evaluated: 2022-11-15. Review status: criteria provided, single submitter. Criteria: Invitae Variant Classification Sherloc (09022015). Collection method: clinical testing. Allele origin: germline.
Comment: In summary, the available evidence is currently insufficient to determine the role of this variant in disease. Therefore, it has been classified as a Variant of Uncertain Significance. Algorithms developed to predict the effect of missense changes on protein structure and function are either unavailable or do not agree on the potential impact of this missense change (SIFT: "Tolerated"; PolyPhen-2: "Possibly Damaging"; Align-GVGD: "Class C0"). ClinVar contains an entry for this variant (Variation ID: 1422302). This variant has not been reported in the literature in individuals affected with CTR9-related conditions. This variant is not present in population databases (gnomAD no frequency). This sequence change replaces tyrosine, which is neutral and polar, with cysteine, which is neutral and slightly polar, at codon 712 of the CTR9 protein (p.Tyr712Cys).